The following is an entry in ClinVar:

NM_052867.4(NALCN):c.4125T>A (p.Ala1375=)

Gene: NALCN (sodium leak channel, non-selective; minus strand). Cytogenetic location: 13q32.3.
Variant type: single nucleotide variant.
Coding change: c.4125T>A on transcript NM_052867.4 (MANE Select); coding-DNA position 4125, T replaced by A.
Protein change: p.Ala1375=; no amino-acid change (alanine 1375 retained).
Molecular consequence: synonymous variant.
Genome position (GRCh38, 1-based): chr13:101,073,656, A>T on the plus strand (T>A on the coding strand, the complement: NALCN is on the minus strand). VCF-style: chr13-101073656-A-T. GRCh37 (hg19) VCF-style: chr13-101726008-A-T.
Other names: c.4212T>A, p.Ala1404= (NM_001350748.2); c.4125T>A, p.Ala1375= (NM_001350749.2); c.4038T>A, p.Ala1346= (NM_001350750.2, NM_001350751.2).
Identifiers: ClinVar variation 3393803 (VCV003393803.5).
Genomic context (GRCh38, chr13:101,073,656, plus strand): 5'-CATAATCTTGTTCCAGTCTTCACCTGTGACAATTCGGAACAGTACGGTAATAGCTTTTCC[A>T]GCCGAAGAAAAATTTGCATGCCTAATTTAAGAAAAAAAAATTAACAGAATGTGAATTATA-3'
Protein context (NP_443099.1, residues 1365-1385): NINRHANFSS[Ala1375=]GKAITVLFRI

ClinVar aggregate classification (germline): Conflicting classifications of pathogenicity. Review status: criteria provided, conflicting classifications (1 of 4 stars). 2 submissions from 2 submitters: Uncertain significance (1); Likely benign (1). Last evaluated 2026-08-07.

gnomAD v4.1: 10 of 1,613,022 alleles (0.00062%); highest among the groups gnomAD compares: Middle Eastern, 0.017%; no homozygotes.

Submissions (2):

GeneDx
Classification: Uncertain significance. Last evaluated: 2026-08-07. Review status: criteria provided, single submitter. Criteria: GeneDx Variant Classification Process June 2021. Collection method: clinical testing. Allele origin: germline.
Comment: Has not been previously published as pathogenic or benign to our knowledge; In silico analysis suggests this variant may impact gene splicing. In the absence of RNA/functional studies, the actual effect of this sequence change is unknown.

Labcorp Genetics (formerly Invitae), Labcorp
Classification: Likely benign. Last evaluated: 2024-07-11. Review status: criteria provided, single submitter. Criteria: Invitae Variant Classification Sherloc (09022015). Collection method: clinical testing. Allele origin: germline.